The following is an entry in ClinVar:

NM_001013838.3(CARMIL2):c.1920-83G>A

Gene: CARMIL2 (capping protein regulator and myosin 1 linker 2; plus strand). Cytogenetic location: 16q22.1.
Variant type: single nucleotide variant.
Coding change: c.1920-83G>A on transcript NM_001013838.3 (MANE Select); 83 bases into the intron before coding-DNA position 1920, G replaced by A.
Molecular consequence: intron variant.
Genome position (GRCh38, 1-based): chr16:67,649,723, G>A. VCF-style: chr16-67649723-G-A. GRCh37 (hg19) VCF-style: chr16-67683626-G-A.
Other names: c.1812-83G>A (NM_001317026.3).
Identifiers: ClinVar variation 2628266 (VCV002628266.2), dbSNP rs73597582, ClinGen allele CA15871913.

ClinVar aggregate classification (germline): Benign (1 of 4 stars; one submission).

Allele frequency attached by ClinVar (database versions not stated): 1000 Genomes Project 0.12300; gnomAD 0.12915; 1000 Genomes Project 30x 0.12992; TOPMed 0.13045.
gnomAD v4.1: 156,490 of 1,568,092 alleles (10%); highest among the groups gnomAD compares: African/African-American, 19%; 8,704 homozygotes.

Submission:

Unidad de Genómica Garrahan, Hospital de Pediatría Garrahan
Classification: Benign. Last evaluated: 2023-11-12. Review status: criteria provided, single submitter. Criteria: ACMG Guidelines, 2015. Collection method: clinical testing. Allele origin: germline. Affected: no. Observed: 23 variant alleles.
Comment: This variant is classified as Benign based on local population frequency. This variant was detected in 24% of patients studied by a panel of primary immunodeficiencies. Number of patients: 23. Only high quality variants are reported.